The following is an entry in ClinVar:

NM_001044.5(SLC6A3):c.1087G>A (p.Val363Ile)

Gene: SLC6A3 (solute carrier family 6 member 3). Cytogenetic location: 5p15.33.
Variant type: single nucleotide variant.
Coding change: c.1087G>A on transcript NM_001044.5 (MANE Select); coding-DNA position 1087, G replaced by A.
Protein change: p.Val363Ile; replaces valine 363 with isoleucine.
Molecular consequence: missense variant.
Genome position (GRCh38, 1-based): chr5:1,414,760, C>T on the plus strand (G>A on the coding strand, the complement: SLC6A3 is on the minus strand). VCF-style: chr5-1414760-C-T. GRCh37 (hg19) VCF-style: chr5-1414875-C-T.
Other names: short protein forms V363I.
Identifiers: ClinVar variation 538063 (VCV000538063.7), dbSNP rs750843353, ClinGen allele CA3186161.

ClinVar aggregate classification (germline): Uncertain significance (1 of 4 stars; one submission).

Conditions:
Parkinsonism-dystonia, infantile. Identifiers: Orphanet 238455, MedGen C2751067, MONDO:0013150.

Allele frequency attached by ClinVar (database versions not stated): ExAC 0.00001; gnomAD 0.00002; gnomAD exomes 0.00002; TOPMed 0.00003.
gnomAD v4.1: 23 of 1,612,738 alleles (0.0014%); highest among the groups gnomAD compares: African/African-American, 0.0027%; no homozygotes.

Submission:

Labcorp Genetics (formerly Invitae), Labcorp
Classification: Uncertain significance for Parkinsonism-dystonia, infantile. Last evaluated: 2021-08-31. Review status: criteria provided, single submitter. Criteria: Invitae Variant Classification Sherloc (09022015). Collection method: clinical testing. Allele origin: germline.
Comment: This sequence change replaces valine with isoleucine at codon 363 of the SLC6A3 protein (p.Val363Ile). The valine residue is highly conserved and there is a small physicochemical difference between valine and isoleucine. This variant is present in population databases (rs750843353, ExAC 0.002%). This variant has not been reported in the literature in individuals affected with SLC6A3-related conditions. Algorithms developed to predict the effect of missense changes on protein structure and function (SIFT, PolyPhen-2, Align-GVGD) all suggest that this variant is likely to be disruptive. In summary, the available evidence is currently insufficient to determine the role of this variant in disease. Therefore, it has been classified as a Variant of Uncertain Significance.